The following is an entry in ClinVar:

ClinVar aggregate classification (germline): Pathogenic (1 of 4 stars; one submission).

Conditions:
Monogenic hearing loss.

Submission:

Genetics Laboratory, Great Ormond Street Hospital NHS Foundation Trust, North Thames Genomic Laboratory Hub
Classification: Pathogenic for Monogenic hearing loss. Last evaluated: 2025-10-06. Review status: criteria provided, single submitter. Criteria: ACGS Best Practice Guidelines for Variant Classification in Rare Disease 2024 v1.2. Collection method: clinical testing. Allele origin: germline. Affected: yes.
Comment: PM2_moderate, PVS1_very-strong, PM3_moderate

NM_016239.4(MYO15A):c.302del (p.Gly101fs)

Gene: MYO15A (myosin XVA; plus strand). Cytogenetic location: 17p11.2.
Variant type: Deletion.
Coding change: c.302del on transcript NM_016239.4 (MANE Select); coding-DNA position 302, one base deleted (G; older notation c.302delG).
Protein change: p.Gly101fs; shifts the reading frame from glycine 101.
Molecular consequence: frameshift variant.
Genome position (GRCh38, 1-based): chr17:18,119,102, G deleted; the last of 3 consecutive G bases (chr17:18,119,100-18,119,102); deleting any one gives the same sequence. VCF-style (leftmost placement, unchanged base first): chr17-18119099-AG-A. GRCh37 (hg19) VCF-style: chr17-18022413-AG-A.
Other names: short protein forms G101fs.
Identifiers: ClinVar variation 4533321 (VCV004533321.1).